The following is an entry in ClinVar:

NM_000815.5(GABRD):c.967G>T (p.Ala323Ser)

Gene: GABRD (gamma-aminobutyric acid type A receptor subunit delta; plus strand). Cytogenetic location: 1p36.33.
Variant type: single nucleotide variant.
Coding change: c.967G>T on transcript NM_000815.5 (MANE Select); coding-DNA position 967, G replaced by T.
Protein change: p.Ala323Ser; replaces alanine 323 with serine.
Molecular consequence: missense variant.
Genome position (GRCh38, 1-based): chr1:2,029,670, G>T. VCF-style: chr1-2029670-G-T. GRCh37 (hg19) VCF-style: chr1-1961109-G-T.
Other names: short protein forms A323S.
Identifiers: ClinVar variation 3654863 (VCV003654863.2).

ClinVar aggregate classification (germline): Uncertain significance (1 of 4 stars; one submission).

Conditions:
Idiopathic generalized epilepsy. Also called: EIG; Generalised epilepsy. Identifiers: MedGen C0270850, MONDO:0005579, OMIM 600669.

gnomAD v4.1: 1 of 1,613,584 alleles (0.000062%); highest among the groups gnomAD compares: Non-Finnish European, 0.000085%; no homozygotes.

Submission:

Labcorp Genetics (formerly Invitae), Labcorp
Classification: Uncertain significance for Idiopathic generalized epilepsy. Last evaluated: 2024-06-21. Review status: criteria provided, single submitter. Criteria: Invitae Variant Classification Sherloc (09022015). Collection method: clinical testing. Allele origin: germline.
Comment: This sequence change replaces alanine, which is neutral and non-polar, with serine, which is neutral and polar, at codon 323 of the GABRD protein (p.Ala323Ser). This variant is not present in population databases (gnomAD no frequency). This variant has not been reported in the literature in individuals affected with GABRD-related conditions. An algorithm developed to predict the effect of missense changes on protein structure and function (PolyPhen-2) suggests that this variant is likely to be disruptive. In summary, the available evidence is currently insufficient to determine the role of this variant in disease. Therefore, it has been classified as a Variant of Uncertain Significance.